The following is an entry in ClinVar:

ClinVar aggregate classification (germline): Uncertain significance (1 of 4 stars; one submission).

Submission:

Labcorp Genetics (formerly Invitae), Labcorp
Classification: Uncertain significance. Last evaluated: 2025-04-11. Review status: criteria provided, single submitter. Criteria: Invitae Variant Classification Sherloc (09022015). Collection method: clinical testing. Allele origin: germline.
Comment: This sequence change creates a premature translational stop signal (p.Tyr102*) in the DTHD1 gene. It is expected to result in an absent or disrupted protein product. However, the current clinical and genetic evidence is not sufficient to establish whether loss-of-function variants in DTHD1 cause disease. This variant is present in population databases (no rsID available, gnomAD 0.004%). This variant has not been reported in the literature in individuals affected with DTHD1-related conditions. Algorithms developed to predict the effect of sequence changes on RNA splicing suggest that this variant may disrupt the consensus splice site. In summary, the available evidence is currently insufficient to determine the role of this variant in disease. Therefore, it has been classified as a Variant of Uncertain Significance.

NM_001170700.3(DTHD1):c.1176_1179del (p.Ser391_Tyr392insTer)

Gene: DTHD1 (death domain containing 1; plus strand). Cytogenetic location: 4p14.
Variant type: Deletion.
Coding change: c.1176_1179del on transcript NM_001170700.3 (MANE Select); coding-DNA positions 1176 to 1179, 4 bases deleted (CCTA; older notation c.1176_1179delCCTA).
Protein change: p.Ser391_Tyr392insTer.
Molecular consequence: nonsense. On other transcripts: non-coding transcript variant (2).
Genome position (GRCh38, 1-based): chr4:36,290,661-36,290,664, CCTA deleted; deleting any 4 consecutive bases within chr4:36,290,659-36,290,664 gives the same sequence; the c. name uses the placement nearest the transcript's 3' end. VCF-style (leftmost placement, unchanged base first): chr4-36290658-TTACC-T. GRCh37 (hg19) VCF-style: chr4-36292280-TTACC-T.
Other names: c.306_309del, p.Ser101_Tyr102insTer (NM_001136536.5, NM_001378435.1).
Identifiers: ClinVar variation 4751172 (VCV004751172.1).